The following is an entry in ClinVar:

NM_000051.4(ATM):c.6512_6519dup (p.Ser2174fs)

Genes: ATM (ATM serine/threonine kinase; plus strand), C11orf65 (chromosome 11 open reading frame 65; minus strand). Cytogenetic location: 11q22.3.
Variant type: Duplication.
Coding change: c.6512_6519dup on transcript NM_000051.4 (MANE Select); coding-DNA positions 6512 to 6519, 8 bases duplicated (CCACACTT; older notation c.6512_6519dupCCACACTT).
Protein change: p.Ser2174fs; shifts the reading frame from serine 2174.
Molecular consequence: frameshift variant. On other transcripts: intron variant (2).
Genome position (GRCh38, 1-based): chr11:108,321,360-108,321,367, CCACACTT duplicated. VCF-style (leftmost placement, unchanged base first): chr11-108321359-C-CCCACACTT. GRCh37 (hg19) VCF-style: chr11-108192086-C-CCCACACTT.
Other names: c.6512_6519dupCCACACTT (NM_000051.3); c.6512_6519dup, p.Ser2174fs (NM_001351834.2); c.641-12296_641-12289dup (NM_001330368.2); c.*39-12296_*39-12289dup (NM_001351110.2); short protein forms S2174fs.
Identifiers: ClinVar variation 4825506 (VCV004825506.1).
Genomic context (GRCh38, chr11:108,321,359, plus strand): 5'-AGAGTAAAAGAAGTGGAAGAGATGTGTAAGCGCAGCCTTGAGTCTGTGTATTCGCTCTAT[C>CCCACACTT]CCACACTTAGCAGGTTGCAGGCCATTGGAGAGCTGGAAAGCATTGGGGAGCTTTTCTCAA-3'

ClinVar aggregate classification (germline): Pathogenic (1 of 4 stars; one submission).

Conditions:
Hereditary cancer-predisposing syndrome. Also called: Tumor predisposition; Hereditary neoplastic syndrome; Hereditary Cancer Syndrome; Neoplastic Syndromes, Hereditary. Identifiers: Orphanet 140162, MedGen C0027672, MeSH D009386, MONDO:0015356.

Submission:

Ambry Genetics
Classification: Pathogenic for Hereditary cancer-predisposing syndrome. Last evaluated: 2026-01-29. Review status: criteria provided, single submitter. Criteria: Ambry Variant Classification Scheme 2023. Collection method: clinical testing. Allele origin: germline.
Comment: The c.6512_6519dupCCACACTT pathogenic mutation, located in coding exon 44 of the ATM gene, results from a duplication of CCACACTT at nucleotide position 6512, causing a translational frameshift with a predicted alternate stop codon (p.S2174Pfs*64). This variant is considered to be rare based on population cohorts in the Genome Aggregation Database (gnomAD). This alteration is expected to result in loss of function by premature protein truncation or nonsense-mediated mRNA decay. As such, this alteration is interpreted as a disease-causing mutation.